The following is an entry in ClinVar:

ClinVar aggregate classification (germline): Uncertain significance (1 of 4 stars; one submission).

Conditions:
Curry-Hall syndrome (WAD). Also called: WEYERS ACRODENTAL DYSOSTOSIS. Identifiers: Orphanet 952, MedGen C0457013, MONDO:0008673, OMIM 193530.
Ellis-van Creveld syndrome (EVC). Also called: EVC-Related Ellis-van Creveld Syndrome; EVC2-Related Ellis-van Creveld Syndrome; MESOECTODERMAL DYSPLASIA; Chondroectodermal dysplasia. Identifiers: Orphanet 289, MedGen C0013903, MONDO:0009162, OMIM 225500.

gnomAD v4.1: 1 of 1,613,546 alleles (0.000062%); highest among the groups gnomAD compares: Non-Finnish European, 0.000085%; no homozygotes.

Submission:

Labcorp Genetics (formerly Invitae), Labcorp
Classification: Uncertain significance for Curry-Hall syndrome; Ellis-van Creveld syndrome. Last evaluated: 2024-05-18. Review status: criteria provided, single submitter. Criteria: Invitae Variant Classification Sherloc (09022015). Collection method: clinical testing. Allele origin: germline.
Comment: This sequence change falls in intron 21 of the EVC2 gene. It does not directly change the encoded amino acid sequence of the EVC2 protein. It affects a nucleotide within the consensus splice site. This variant is not present in population databases (gnomAD no frequency). This variant has not been reported in the literature in individuals affected with EVC2-related conditions. Variants that disrupt the consensus splice site are a relatively common cause of aberrant splicing (PMID: 17576681, 9536098). Algorithms developed to predict the effect of sequence changes on RNA splicing suggest that this variant is not likely to affect RNA splicing. In summary, the available evidence is currently insufficient to determine the role of this variant in disease. Therefore, it has been classified as a Variant of Uncertain Significance.

Literature cited by the submitters: PubMed 17576681; PubMed 9536098.

NM_147127.5(EVC2):c.3659+6G>A

Gene: EVC2 (EvC ciliary complex subunit 2; minus strand). Cytogenetic location: 4p16.2.
Variant type: single nucleotide variant.
Coding change: c.3659+6G>A on transcript NM_147127.5 (MANE Select); 6 bases into the intron after coding-DNA position 3659, G replaced by A.
Molecular consequence: intron variant.
Genome position (GRCh38, 1-based): chr4:5,565,252, C>T on the plus strand (G>A on the coding strand, the complement: EVC2 is on the minus strand). VCF-style: chr4-5565252-C-T. GRCh37 (hg19) VCF-style: chr4-5566979-C-T.
Other names: c.3419+6G>A (NM_001166136.2).
Identifiers: ClinVar variation 3763859 (VCV003763859.1).